The following is an entry in ClinVar:

NM_004700.4(KCNQ4):c.1759G>A (p.Val587Met)

Gene: KCNQ4 (potassium voltage-gated channel subfamily Q member 4; plus strand). Cytogenetic location: 1p34.2.
Variant type: single nucleotide variant.
Coding change: c.1759G>A on transcript NM_004700.4 (MANE Select); coding-DNA position 1759, G replaced by A.
Protein change: p.Val587Met; replaces valine 587 with methionine.
Molecular consequence: missense variant.
Genome position (GRCh38, 1-based): chr1:40,837,678, G>A. VCF-style: chr1-40837678-G-A. GRCh37 (hg19) VCF-style: chr1-41303350-G-A.
Other names: c.1597G>A, p.Val533Met (NM_172163.3); short protein forms V533M, V587M.
Identifiers: ClinVar variation 3253425 (VCV003253425.1), dbSNP rs2523954588.
Genomic context (GRCh38, chr1:40,837,678, plus strand): 5'-GAGGGACGGCGTGTCCCCGGGCCCTCTGATGGTTCCCTTACCCTTAGGGTGGACCAAATT[G>A]TGGGTCGGGGGCCCGGGGACAGGAAGGCCCGGGAGAAGGGCGACAAGGGGCCCTCCGACG-3'
Protein context (NP_004691.2, residues 577-597): KSLQTRVDQI[Val587Met]GRGPGDRKAR

ClinVar aggregate classification (germline): Uncertain significance (1 of 4 stars; one submission).

Allele frequency attached by ClinVar (database versions not stated): gnomAD exomes 0.00001.
gnomAD v4.1: 3 of 1,613,348 alleles (0.00019%); highest among the groups gnomAD compares: Non-Finnish European, 0.00017%; no homozygotes.

Submission:

GeneDx
Classification: Uncertain significance. Last evaluated: 2023-10-12. Review status: criteria provided, single submitter. Criteria: GeneDx Variant Classification Process June 2021. Collection method: clinical testing. Allele origin: germline. Affected: yes.
Comment: Not observed at significant frequency in large population cohorts (gnomAD); In silico analysis supports that this missense variant does not alter protein structure/function; Has not been previously published as pathogenic or benign to our knowledge